The following is an entry in ClinVar:

NM_000111.3(SLC26A3):c.972-1G>A

Gene: SLC26A3 (solute carrier family 26 member 3; minus strand). Cytogenetic location: 7q22.3.
Variant type: single nucleotide variant.
Coding change: c.972-1G>A on transcript NM_000111.3 (MANE Select); the canonical splice acceptor site of the intron before coding-DNA position 972, G replaced by A.
Molecular consequence: splice acceptor variant.
Genome position (GRCh38, 1-based): chr7:107,783,353, C>T on the plus strand (G>A on the coding strand, the complement: SLC26A3 is on the minus strand). VCF-style: chr7-107783353-C-T. GRCh37 (hg19) VCF-style: chr7-107423798-C-T.
Identifiers: ClinVar variation 2858782 (VCV002858782.3), dbSNP rs2535463622, ClinGen allele CA368852284.

ClinVar aggregate classification (germline): Likely pathogenic (1 of 4 stars; one submission).

Submission:

Labcorp Genetics (formerly Invitae), Labcorp
Classification: Likely pathogenic. Last evaluated: 2023-04-24. Review status: criteria provided, single submitter. Criteria: Invitae Variant Classification Sherloc (09022015). Collection method: clinical testing. Allele origin: germline.
Comment: This sequence change affects an acceptor splice site in intron 8 of the SLC26A3 gene. It is expected to disrupt RNA splicing. Variants that disrupt the donor or acceptor splice site typically lead to a loss of protein function (PMID: 16199547), and loss-of-function variants in SLC26A3 are known to be pathogenic (PMID: 9718329, 21394828). This variant is not present in population databases (gnomAD no frequency). This variant has not been reported in the literature in individuals affected with SLC26A3-related conditions. Algorithms developed to predict the effect of sequence changes on RNA splicing suggest that this variant may disrupt the consensus splice site. In summary, the currently available evidence indicates that the variant is pathogenic, but additional data are needed to prove that conclusively. Therefore, this variant has been classified as Likely Pathogenic.

Literature cited by the submitters: PubMed 16199547; PubMed 9718329; PubMed 21394828.